The following is an entry in ClinVar:

NM_000169.3(GLA):c.194+1G>A

Genes: GLA (galactosidase alpha; minus strand), RPL36A-HNRNPH2 (RPL36A-HNRNPH2 readthrough; plus strand). Cytogenetic location: Xq22.1.
Variant type: single nucleotide variant.
Coding change: c.194+1G>A on transcript NM_000169.3 (MANE Select); the canonical splice donor site of the intron after coding-DNA position 194, G replaced by A.
Molecular consequence: splice donor variant. On other transcripts: intron variant (2).
Genome position (GRCh38, 1-based): chrX:101,407,709, C>T on the plus strand (G>A on the coding strand, the complement: GLA is on the minus strand). VCF-style: chrX-101407709-C-T. GRCh37 (hg19) VCF-style: chrX-100662697-C-T.
Other names: c.301-4227C>T (NM_001199973.2); c.178-4227C>T (NM_001199974.2); c.194+1G>A (NM_001406747.1, NM_001406748.1, NM_001406749.1).
Identifiers: ClinVar variation 2737320 (VCV002737320.5), dbSNP rs868966337, ClinGen allele CA352899.
Genomic context (GRCh38, chrX:101,407,709, plus strand): 5'-TCCCCAAACACACCCAAACACATGGAAAAGCAAAGGGAAGGGAGTACCCAATATCTGATA[C>T]CTGATGCAGGAATCTGGCTCTTCCTGGCAGTCAAGGTTGCACATGAAGCGCTCCCAGTGC-3'

ClinVar aggregate classification (germline): Pathogenic. Review status: criteria provided, multiple submitters, no conflicts (2 of 4 stars). 2 submissions from 2 submitters: Pathogenic (2). Last evaluated 2026-09-08.

Conditions:
Fabry disease. Also called: Angiokeratoma corporis diffusum; Fabry's disease; ALPHA-GALACTOSIDASE A DEFICIENCY; ANDERSON-FABRY DISEASE; CERAMIDE TRIHEXOSIDASE DEFICIENCY; Ceramide trihexosidosis. Identifiers: Orphanet 324, MedGen C0002986, MONDO:0010526, OMIM 301500, HP:0001071. Disease mechanism: Fabry disease is due to inactivating mutations in the X-linked GLA gene resulting in deficiency of the enzyme Alpha Galactosidase-A., loss of function.

Submissions (2):

Genomenon, Inc
Classification: Pathogenic for Fabry disease. Last evaluated: 2026-09-08. Review status: criteria provided, single submitter. Criteria: Genomenon Sequence Variant Interpretation Standards - Updated. Collection method: curation. Allele origin: germline. Affected: yes.
Comment: GLA c.194+1G>A is a canonical splice variant affecting the donor splice site of intron 1. It is predicted to affect mRNA splicing, leading to a deleterious effect on the GLA protein. This variant has been observed in at least one proband with clinical features consistent with Fabry disease (PMID:28736719;28749998;25974833). Functional or patient cell studies have been reported (PMID:25974833). It is absent or not present at a significant frequency in gnomAD. In conclusion, we classify GLA c.194+1G>A as a pathogenic variant.

Labcorp Genetics (formerly Invitae), Labcorp
Classification: Pathogenic for Fabry disease. Last evaluated: 2024-12-16. Review status: criteria provided, single submitter. Criteria: Invitae Variant Classification Sherloc (09022015). Collection method: clinical testing. Allele origin: germline.
Comment: This sequence change affects a donor splice site in intron 1 of the GLA gene. It is expected to disrupt RNA splicing. Variants that disrupt the donor or acceptor splice site typically lead to a loss of protein function (PMID: 16199547), and loss-of-function variants in GLA are known to be pathogenic (PMID: 10666480, 12175777). This variant is not present in population databases (gnomAD no frequency). Disruption of this splice site has been observed in individual(s) with clinical features of Fabry disease (PMID: 25974833; internal data). ClinVar contains an entry for this variant (Variation ID: 2737320). Algorithms developed to predict the effect of sequence changes on RNA splicing suggest that this variant may disrupt the consensus splice site. For these reasons, this variant has been classified as Pathogenic.

Literature cited by the submitters: PubMed 28736719 (cited by Genomenon, Inc); PubMed 28749998 (cited by Genomenon, Inc); PubMed 25974833 (cited by Genomenon, Inc and Labcorp Genetics (formerly Invitae), Labcorp); PubMed 16199547 (cited by Labcorp Genetics (formerly Invitae), Labcorp); PubMed 10666480 (cited by Labcorp Genetics (formerly Invitae), Labcorp); PubMed 12175777 (cited by Labcorp Genetics (formerly Invitae), Labcorp).